The following is an entry in ClinVar:

NM_004722.4(AP4M1):c.1293C>T (p.Cys431=)

Gene: AP4M1 (adaptor related protein complex 4 subunit mu 1; plus strand). Cytogenetic location: 7q22.1.
Variant type: single nucleotide variant.
Coding change: c.1293C>T on transcript NM_004722.4 (MANE Select); coding-DNA position 1293, C replaced by T.
Protein change: p.Cys431=; no amino-acid change (cysteine 431 retained).
Molecular consequence: synonymous variant.
Genome position (GRCh38, 1-based): chr7:100,106,813, C>T. VCF-style: chr7-100106813-C-T. GRCh37 (hg19) VCF-style: chr7-99704436-C-T.
Other names: c.1314C>T, p.Cys438= (NM_001363671.2).
Identifiers: ClinVar variation 700583 (VCV000700583.13), dbSNP rs151301464, ClinGen allele CA4375058.

ClinVar aggregate classification (germline): Conflicting classifications of pathogenicity. Review status: criteria provided, conflicting classifications (1 of 4 stars). 3 submissions from 3 submitters: Uncertain significance (1); Likely benign (1). 1 of the submissions does not count toward it. Last evaluated 2025-09-02.

Conditions:
Hereditary spastic paraplegia. Also called: Familial spastic paraparesis. Identifiers: Orphanet 685, MedGen C0037773, MONDO:0019064. Disease mechanism: loss of function.
AP4M1-related disorder. Also called: AP4M1-related condition.
Hereditary spastic paraplegia 50 (SPG50). Also called: Spastic paraplegia 50, autosomal recessive. Identifiers: Orphanet 280763, MedGen C2752008, MONDO:0013048, OMIM 612936.

Allele frequency attached by ClinVar (database versions not stated): gnomAD exomes 0.00006; gnomAD 0.00008 and 0.00009; TOPMed 0.00009; ExAC 0.00010; ESP Exome Variant Server 0.00031.

Submissions (3):

Labcorp Genetics (formerly Invitae), Labcorp
Classification: Likely benign for Hereditary spastic paraplegia 50. Last evaluated: 2025-09-02. Review status: criteria provided, single submitter. Criteria: Invitae Variant Classification Sherloc (09022015). Collection method: clinical testing. Allele origin: germline.

Genome Diagnostics Laboratory, The Hospital for Sick Children
Classification: Uncertain significance for Hereditary spastic paraplegia. Last evaluated: 2016-12-12. Review status: criteria provided, single submitter. Criteria: ACMG Guidelines, 2015. Collection method: clinical testing. Allele origin: germline. Affected: yes.

PreventionGenetics, part of Exact Sciences
Classification: Likely benign for AP4M1-related condition. Last evaluated: 2019-05-20. Review status: no assertion criteria provided. Collection method: clinical testing. Allele origin: germline. Not counted in ClinVar's aggregate classification.
Comment: This variant is classified as likely benign based on ACMG/AMP sequence variant interpretation guidelines (Richards et al. 2015 PMID: 25741868, with internal and published modifications).